The following is an entry in ClinVar:

ClinVar aggregate classification (germline): Uncertain significance. Review status: criteria provided, multiple submitters, no conflicts (2 of 4 stars). 2 submissions from 2 submitters: Uncertain significance (2). Last evaluated 2025-05-23.

Submissions (2):

GeneDx
Classification: Uncertain significance. Last evaluated: 2025-05-23. Review status: criteria provided, single submitter. Criteria: GeneDx Variant Classification Process June 2021. Collection method: clinical testing. Allele origin: germline. Affected: yes.
Comment: Frameshift variant predicted to result in abnormal protein length as the last 53 amino acids are replaced with 1 different amino acid; Not observed at significant frequency in large population cohorts (gnomAD); Has not been previously published as pathogenic or benign to our knowledge

Labcorp Genetics (formerly Invitae), Labcorp
Classification: Uncertain significance. Last evaluated: 2022-07-28. Review status: criteria provided, single submitter. Criteria: Invitae Variant Classification Sherloc (09022015). Collection method: clinical testing. Allele origin: germline.
Comment: This variant has not been reported in the literature in individuals affected with SATB1-related conditions. In summary, the available evidence is currently insufficient to determine the role of this variant in disease. Therefore, it has been classified as a Variant of Uncertain Significance. This variant is not present in population databases (gnomAD no frequency). This sequence change creates a premature translational stop signal (p.Gly743Valfs*2) in the SATB1 gene. While this is not anticipated to result in nonsense mediated decay, it is expected to disrupt the last 53 amino acid(s) of the SATB1 protein.

NM_002971.6(SATB1):c.2130del (p.Gly711fs)

Gene: SATB1 (SATB homeobox 1; minus strand). Cytogenetic location: 3p24.3.
Variant type: Deletion.
Coding change: c.2130del on transcript NM_002971.6 (MANE Select); coding-DNA position 2130, one base deleted (C; older notation c.2130delC).
Protein change: p.Gly711fs; shifts the reading frame from glycine 711.
Molecular consequence: frameshift variant.
Genome position (GRCh38, 1-based): chr3:18,349,332, G deleted on the plus strand (C on the coding strand, the reverse complement: SATB1 is on the minus strand); the first of 2 consecutive G bases (chr3:18,349,332-18,349,333); deleting either gives the same sequence. VCF-style (leftmost placement, unchanged base first): chr3-18349331-CG-C. GRCh37 (hg19) VCF-style: chr3-18390823-CG-C.
Other names: c.2130del, p.Gly711fs (NM_001131010.4, NM_001322872.2, NM_001322873.2 and 2 more transcripts); c.2226del, p.Gly743fs (NM_001195470.3, NM_001322871.2); c.1914del, p.Gly639fs (NM_001322876.2); c.2226del (NM_001195470.2); short protein forms G743fs, G639fs, G711fs.
Identifiers: ClinVar variation 1902522 (VCV001902522.6), dbSNP rs2470392991, ClinGen allele CA2580069189.